The following is an entry in ClinVar:

NM_199420.4(POLQ):c.6143T>C (p.Val2048Ala)

Gene: POLQ (DNA polymerase theta; minus strand). Cytogenetic location: 3q13.33.
Variant type: single nucleotide variant.
Coding change: c.6143T>C on transcript NM_199420.4 (MANE Select); coding-DNA position 6143, T replaced by C.
Protein change: p.Val2048Ala; replaces valine 2048 with alanine.
Molecular consequence: missense variant.
Genome position (GRCh38, 1-based): chr3:121,481,640, A>G on the plus strand (T>C on the coding strand, the complement: POLQ is on the minus strand). VCF-style: chr3-121481640-A-G. GRCh37 (hg19) VCF-style: chr3-121200487-A-G.
Other names: short protein forms V2048A.
Identifiers: ClinVar variation 3230093 (VCV003230093.1), dbSNP rs2546780312, ClinGen allele CA354087738.
Genomic context (GRCh38, chr3:121,481,640, plus strand): 5'-TTTTCCTTCTGCAACAAAGAGTTGAGCTGATTCATAGAGTTGAAGATGAGAATGGACTCC[A>G]CAGATGCTCTGTATCGCCCAGAATGCTCACTGCCAGCATTTAGCCCCAGGCTTTGAATCC-3'
Protein context (NP_955452.3, residues 2038-2058): SEHSGRYRAS[Val2048Ala]ESILIFNSMN

ClinVar aggregate classification (germline): Uncertain significance (1 of 4 stars; one submission).

Submission:

Ambry Genetics
Classification: Uncertain significance. Last evaluated: 2023-09-25. Review status: criteria provided, single submitter. Criteria: Ambry Variant Classification Scheme 2023. Collection method: clinical testing. Allele origin: germline.
Comment: The p.V2048A variant (also known as c.6143T>C), located in coding exon 19 of the POLQ gene, results from a T to C substitution at nucleotide position 6143. The valine at codon 2048 is replaced by alanine, an amino acid with similar properties. This amino acid position is conserved. In addition, this alteration is predicted to be tolerated by in silico analysis. Since supporting evidence is limited at this time, the clinical significance of this alteration remains unclear.